The following is an entry in ClinVar:

NM_003470.3(USP7):c.863T>C (p.Leu288Ser)

Gene: USP7 (ubiquitin specific peptidase 7; minus strand). Cytogenetic location: 16p13.2.
Variant type: single nucleotide variant.
Coding change: c.863T>C on transcript NM_003470.3 (MANE Select); coding-DNA position 863, T replaced by C.
Protein change: p.Leu288Ser; replaces leucine 288 with serine.
Molecular consequence: missense variant. On other transcripts: non-coding transcript variant (1).
Genome position (GRCh38, 1-based): chr16:8,916,545, A>G on the plus strand (T>C on the coding strand, the complement: USP7 is on the minus strand). VCF-style: chr16-8916545-A-G. GRCh37 (hg19) VCF-style: chr16-9010402-A-G.
Other names: c.815T>C, p.Leu272Ser (NM_001286457.2); c.566T>C, p.Leu189Ser (NM_001286458.2); c.689T>C, p.Leu230Ser (NM_001321858.2); c.863T>C (NM_003470.2); short protein forms L189S, L230S, L272S, L288S.
Identifiers: ClinVar variation 1698272 (VCV001698272.3), dbSNP rs2141202959, ClinGen allele CA394703813.

ClinVar aggregate classification (germline): Likely pathogenic (1 of 4 stars; one submission).

Submission:

GeneDx
Classification: Likely pathogenic. Last evaluated: 2025-01-06. Review status: criteria provided, single submitter. Criteria: GeneDx Variant Classification Process June 2021. Collection method: clinical testing. Allele origin: germline.
Comment: Not observed at significant frequency in large population cohorts (gnomAD); In silico analysis supports that this missense variant has a deleterious effect on protein structure/function; This variant is associated with the following publications: (PMID: 37393044)